The following is an entry in ClinVar:

ClinVar aggregate classification (germline): Uncertain significance (1 of 4 stars; one submission).

Conditions:
Neurodevelopmental disorder with epilepsy, cataracts, feeding difficulties, and delayed brain myelination (NECFM). Identifiers: Orphanet 500545, MedGen C4479333, MONDO:0044306, OMIM 617393.

Submission:

Neuberg Centre For Genomic Medicine, NCGM
Classification: Uncertain significance for Neurodevelopmental disorder with epilepsy, cataracts, feeding difficulties, and delayed brain myelination. Review status: criteria provided, single submitter. Criteria: ACMG Guidelines, 2015. Collection method: clinical testing. Allele origin: germline. Inheritance: Autosomal dominant inheritance. Affected: yes.
Comment: The missense c.1079A>G(p.Tyr360Cys) variant in NACC1 gene has not been reported previously as a pathogenic variant nor as a benign variant, to our knowledge. The p.Tyr360Cys variant is novel (not in any individuals) in gnomAD Exomes and 1000 Genomes database. This variant has not been reported to the ClinVar database. The amino acid change p.Tyr360Cys in NACC1 is predicted as conserved by GERP++ and PhyloP across 100 vertebrates. The amino acid Tyr at position 360 is changed to a Cys changing protein sequence and it might alter its composition and physico-chemical properties. For these reasons, this variant has been classified as Variant of Uncertain Significance (VUS).

NM_052876.4(NACC1):c.1079A>G (p.Tyr360Cys)

Gene: NACC1 (nucleus accumbens associated 1; plus strand). Cytogenetic location: 19p13.13.
Variant type: single nucleotide variant.
Coding change: c.1079A>G on transcript NM_052876.4 (MANE Select); coding-DNA position 1079, A replaced by G.
Protein change: p.Tyr360Cys; replaces tyrosine 360 with cysteine.
Molecular consequence: missense variant.
Genome position (GRCh38, 1-based): chr19:13,136,364, A>G. VCF-style: chr19-13136364-A-G. GRCh37 (hg19) VCF-style: chr19-13247178-A-G.
Other names: short protein forms Y360C.
Identifiers: ClinVar variation 2663927 (VCV002663927.1), dbSNP rs2513136887, ClinGen allele CA404327582.